The following is an entry in ClinVar:

NM_031885.5(BBS2):c.1572_1575del (p.His525fs)

Gene: BBS2 (Bardet-Biedl syndrome 2; minus strand). Cytogenetic location: 16q13.
Variant type: Deletion.
Coding change: c.1572_1575del on transcript NM_031885.5 (MANE Select); coding-DNA positions 1572 to 1575, 4 bases deleted (TCAC; older notation c.1572_1575delTCAC).
Protein change: p.His525fs; shifts the reading frame from histidine 525.
Molecular consequence: frameshift variant. On other transcripts: non-coding transcript variant (5).
Genome position (GRCh38, 1-based): chr16:56,498,521-56,498,524, GTGA deleted on the plus strand (TCAC on the coding strand, the reverse complement: BBS2 is on the minus strand); deleting any 4 consecutive bases within chr16:56,498,521-56,498,527 gives the same sequence; the c. name uses the placement nearest the transcript's 3' end. VCF-style (leftmost placement, unchanged base first): chr16-56498520-TGTGA-T. GRCh37 (hg19) VCF-style: chr16-56532432-TGTGA-T.
Other names: c.1572_1575del, p.His525fs (NM_001377456.1); short protein forms H525fs.
Identifiers: ClinVar variation 1451417 (VCV001451417.6), dbSNP rs2144134877, ClinGen allele CA2573152431.

ClinVar aggregate classification (germline): Pathogenic (1 of 4 stars; one submission).

Conditions:
Bardet-Biedl syndrome (BBS). Identifiers: Orphanet 110, MedGen C0752166, MONDO:0015229.

Submission:

Labcorp Genetics (formerly Invitae), Labcorp
Classification: Pathogenic for Bardet-Biedl syndrome. Last evaluated: 2021-04-20. Review status: criteria provided, single submitter. Criteria: Invitae Variant Classification Sherloc (09022015). Collection method: clinical testing. Allele origin: germline.
Comment: This sequence change creates a premature translational stop signal (p.His525Phefs*21) in the BBS2 gene. It is expected to result in an absent or disrupted protein product. Loss-of-function variants in BBS2 are known to be pathogenic (PMID: 11285252, 20177705, 24608809, 26518167). This variant is not present in population databases (ExAC no frequency). This variant has not been reported in the literature in individuals with BBS2-related conditions. For these reasons, this variant has been classified as Pathogenic.

Literature cited by the submitters: PubMed 11285252; PubMed 20177705; PubMed 24608809; PubMed 26518167.